The following is an entry in ClinVar:

NC_012920.1(MT-TF):m.595dup

Gene: MT-TF (mitochondrially encoded tRNA phenylalanine; plus strand).
Variant type: Duplication.
Genome position: chrM-593-T-TC.
Identifiers: ClinVar variation 689810 (VCV000689810.1), dbSNP rs1603218451, ClinGen allele CA915952075.

ClinVar aggregate classification (germline): Benign (1 of 4 stars; one submission).

Conditions:
MELAS syndrome (MELAS). Also called: Juvenile myopathy, encephalopathy, lactic acidosis, stroke. Identifiers: Orphanet 550, MedGen C0162671, MONDO:0010789, OMIM 540000.

Submission:

Wong Mito Lab, Molecular and Human Genetics, Baylor College of Medicine
Classification: Benign for MELAS syndrome. Last evaluated: 2019-07-12. Review status: criteria provided, single submitter. Criteria: Modified ACMG Guidelines (Unpublished). Collection method: clinical testing. Allele origin: germline.
Comment: The NC_012920.1:m.595dupC variant in MT-TF gene is interpreted to be a Benign variant based on the modified ACMG guidelines (unpublished). This variant meets the following evidence codes reported in the guidelines: BS1, BS4

Literature cited by the submitters: PubMed 31965079.